The following is an entry in ClinVar:

ClinVar aggregate classification (germline): Uncertain significance (1 of 4 stars; one submission).

Conditions:
Hereditary cancer-predisposing syndrome. Also called: Neoplastic Syndromes, Hereditary; Tumor predisposition; Hereditary Cancer Syndrome; Hereditary neoplastic syndrome. Identifiers: Orphanet 140162, MedGen C0027672, MeSH D009386, MONDO:0015356.

Allele frequency attached by ClinVar (database versions not stated): gnomAD exomes below 0.00001; TOPMed below 0.00001; gnomAD 0.00001.
gnomAD v4.1: 2 of 1,612,506 alleles (0.00012%); highest among the groups gnomAD compares: Non-Finnish European, 0.00017%; no homozygotes.

Submission:

Ambry Genetics
Classification: Uncertain significance for Hereditary cancer-predisposing syndrome. Last evaluated: 2024-08-18. Review status: criteria provided, single submitter. Criteria: Ambry Variant Classification Scheme 2023. Collection method: clinical testing. Allele origin: germline.
Comment: The p.S289A variant (also known as c.865T>G), located in coding exon 8 of the EPCAM gene, results from a T to G substitution at nucleotide position 865. The serine at codon 289 is replaced by alanine, an amino acid with similar properties. This amino acid position is conserved. In addition, this alteration is predicted to be tolerated by in silico analysis. Since supporting evidence is limited at this time, the clinical significance of this alteration remains unclear.

NM_002354.3(EPCAM):c.865T>G (p.Ser289Ala)

Gene: EPCAM (epithelial cell adhesion molecule; plus strand). Cytogenetic location: 2p21.
Variant type: single nucleotide variant.
Coding change: c.865T>G on transcript NM_002354.3 (MANE Select); coding-DNA position 865, T replaced by G.
Protein change: p.Ser289Ala; replaces serine 289 with alanine.
Molecular consequence: missense variant.
Genome position (GRCh38, 1-based): chr2:47,385,172, T>G. VCF-style: chr2-47385172-T-G. GRCh37 (hg19) VCF-style: chr2-47612311-T-G.
Other names: short protein forms S289A.
Identifiers: ClinVar variation 1764224 (VCV001764224.3), dbSNP rs1216563595, ClinGen allele CA346725271.
Genomic context (GRCh38, chr2:47,385,172, plus strand): 5'-TAATCTTTTTTTGAATAGCAGTCCTAAAACAATAGTTGTCTTTCTTCCACTCAGGTTATT[T>G]CCAGAAAGAAGAGAATGGCAAAGTATGAGAAGGCTGAGGTAAATGGATTACTTACCTAAA-3'
Protein context (NP_002345.2, residues 279-299): VVAGIVVLVI[Ser289Ala]RKKRMAKYEK